The following is an entry in ClinVar:

NM_001077365.2(POMT1):c.545T>G (p.Phe182Cys)

Gene: POMT1 (protein O-mannosyltransferase 1; plus strand). Cytogenetic location: 9q34.13.
Variant type: single nucleotide variant.
Coding change: c.545T>G on transcript NM_001077365.2 (MANE Select); coding-DNA position 545, T replaced by G.
Protein change: p.Phe182Cys; replaces phenylalanine 182 with cysteine.
Molecular consequence: missense variant. On other transcripts: non-coding transcript variant (10).
Genome position (GRCh38, 1-based): chr9:131,509,748, T>G. VCF-style: chr9-131509748-T-G. GRCh37 (hg19) VCF-style: chr9-134385135-T-G.
Other names: c.383T>G, p.Phe128Cys (NM_001077366.2, NM_001353194.2, NM_001353197.2 and 3 more transcripts); c.545T>G, p.Phe182Cys (NM_001136113.2, NM_001353193.2, NM_001374690.1 and 1 more transcripts); c.194T>G, p.Phe65Cys (NM_001136114.2, NM_001353195.2, NM_001353199.2 and 2 more transcripts); c.455T>G, p.Phe152Cys (NM_001353196.2); c.89T>G, p.Phe30Cys (NM_001353200.2, NM_001374695.1); short protein forms F182C, F128C, F30C, F65C, F152C.
Identifiers: ClinVar variation 1032525 (VCV001032525.1), dbSNP rs1946684104, ClinGen allele CA375307134.

ClinVar aggregate classification (germline): Uncertain significance (1 of 4 stars; one submission).

Conditions:
Muscular dystrophy-dystroglycanopathy (congenital with brain and eye anomalies), type A1 (MDDGA1). Also called: COD-MD SYNDROME; WALKER-WARBURG SYNDROME OR MUSCLE-EYE-BRAIN DISEASE, POMT1-RELATED; Hydrocephalus, agyria and retinal dysplasia; Hard +/- E syndrome; Warburg syndrome; Chemke syndrome. Identifiers: Orphanet 588, Orphanet 899, MedGen C4284790, MONDO:0009364, OMIM 236670.

Submission:

Baylor Genetics
Classification: Uncertain significance for Muscular dystrophy-dystroglycanopathy (congenital with brain and eye anomalies), type A1. Last evaluated: 2018-01-02. Review status: criteria provided, single submitter. Criteria: ACMG Guidelines, 2015. Collection method: clinical testing. Allele origin: paternal. Affected: yes.
Comment: This variant was determined to be of uncertain significance according to ACMG Guidelines, 2015 [PMID:25741868].